The following is an entry in ClinVar:

NM_015978.3(TNNI3K):c.334-3C>G

Genes: FPGT-TNNI3K (FPGT-TNNI3K readthrough; plus strand), TNNI3K (TNNI3 interacting kinase; plus strand). Cytogenetic location: 1p31.1.
Variant type: single nucleotide variant.
Coding change: c.334-3C>G on transcript NM_015978.3 (MANE Select); 3 bases into the intron before coding-DNA position 334, C replaced by G.
Molecular consequence: intron variant.
Genome position (GRCh38, 1-based): chr1:74,271,595, C>G. VCF-style: chr1-74271595-C-G. GRCh37 (hg19) VCF-style: chr1-74737279-C-G.
Other names: c.637-3C>G (NM_001112808.3, NM_001199327.2).
Identifiers: ClinVar variation 1955142 (VCV001955142.5), dbSNP rs1656352565, ClinGen allele CA2580063213.

ClinVar aggregate classification (germline): Uncertain significance (1 of 4 stars; one submission).

Submission:

Labcorp Genetics (formerly Invitae), Labcorp
Classification: Uncertain significance. Last evaluated: 2025-09-19. Review status: criteria provided, single submitter. Criteria: Invitae Variant Classification Sherloc (09022015). Collection method: clinical testing. Allele origin: germline.
Comment: This sequence change falls in intron 4 of the TNNI3K gene. It does not directly change the encoded amino acid sequence of the TNNI3K protein. It affects a nucleotide within the consensus splice site. This variant is not present in population databases (gnomAD no frequency). This variant has not been reported in the literature in individuals affected with TNNI3K-related conditions. ClinVar contains an entry for this variant (Variation ID: 1955142). Variants that disrupt the consensus splice site are a relatively common cause of aberrant splicing (PMID: 17576681, 9536098). Algorithms developed to predict the effect of sequence changes on RNA splicing suggest that this variant may disrupt the consensus splice site. In summary, the available evidence is currently insufficient to determine the role of this variant in disease. Therefore, it has been classified as a Variant of Uncertain Significance.

Literature cited by the submitters: PubMed 17576681; PubMed 9536098.